The following is an entry in ClinVar:

ClinVar aggregate classification (germline): Uncertain significance (1 of 4 stars; one submission).

Conditions:
Epileptic encephalopathy. Identifiers: MedGen C0543888, HP:0200134.

Allele frequency attached by ClinVar (database versions not stated): ExAC 0.00001; gnomAD exomes below 0.00001 and 0.00002; TOPMed 0.00001; gnomAD 0.00001.
gnomAD v4.1: 32 of 1,612,790 alleles (0.002%); highest among the groups gnomAD compares: African/African-American, 0.0027%; no homozygotes.

Submission:

Labcorp Genetics (formerly Invitae), Labcorp
Classification: Uncertain significance for Epileptic encephalopathy. Last evaluated: 2022-10-05. Review status: criteria provided, single submitter. Criteria: Invitae Variant Classification Sherloc (09022015). Collection method: clinical testing. Allele origin: germline.
Comment: In summary, the available evidence is currently insufficient to determine the role of this variant in disease. Therefore, it has been classified as a Variant of Uncertain Significance. Algorithms developed to predict the effect of missense changes on protein structure and function are either unavailable or do not agree on the potential impact of this missense change (SIFT: "Deleterious"; PolyPhen-2: "Probably Damaging"; Align-GVGD: "Class C0"). ClinVar contains an entry for this variant (Variation ID: 462120). This variant has not been reported in the literature in individuals affected with FASN-related conditions. This variant is present in population databases (rs771149670, gnomAD 0.0009%). This sequence change replaces methionine, which is neutral and non-polar, with valine, which is neutral and non-polar, at codon 32 of the FASN protein (p.Met32Val).

NM_004104.5(FASN):c.94A>G (p.Met32Val)

Gene: FASN (fatty acid synthase; minus strand). Cytogenetic location: 17q25.3.
Variant type: single nucleotide variant.
Coding change: c.94A>G on transcript NM_004104.5 (MANE Select); coding-DNA position 94, A replaced by G.
Protein change: p.Met32Val; replaces methionine 32 with valine.
Molecular consequence: missense variant.
Genome position (GRCh38, 1-based): chr17:82,096,352, T>C on the plus strand (A>G on the coding strand, the complement: FASN is on the minus strand). VCF-style: chr17-82096352-T-C. GRCh37 (hg19) VCF-style: chr17-80054228-T-C.
Other names: short protein forms M32V.
Identifiers: ClinVar variation 462120 (VCV000462120.8), dbSNP rs771149670, ClinGen allele CA8853681.